The following is an entry in ClinVar:

NM_001159699.2(FHL1):c.794G>C (p.Cys265Ser)

Gene: FHL1 (four and a half LIM domains 1; plus strand). Cytogenetic location: Xq26.3.
Variant type: single nucleotide variant.
Coding change: c.794G>C on transcript NM_001159699.2 (MANE Select); coding-DNA position 794, G replaced by C.
Protein change: p.Cys265Ser; replaces cysteine 265 with serine.
Molecular consequence: missense variant. On other transcripts: non-coding transcript variant (1).
Genome position (GRCh38, 1-based): chrX:136,209,928, G>C. VCF-style: chrX-136209928-G-C. GRCh37 (hg19) VCF-style: chrX-135292087-G-C.
Other names: c.746G>C, p.Cys249Ser (NM_001159700.2, NM_001159704.1, NM_001167819.1 and 4 more transcripts); c.833G>C, p.Cys278Ser (NM_001159701.2); c.946G>C, p.Ala316Pro (NM_001159702.3, NM_001369326.1, NM_001369327.2 and 1 more transcripts); c.559G>C, p.Ala187Pro (NM_001159703.2); c.607G>C, p.Ala203Pro (NM_001330659.2); short protein forms A316P, C249S, C265S, A187P, A203P, C278S.
Identifiers: ClinVar variation 568751 (VCV000568751.9), dbSNP rs56391414, ClinGen allele CA414609737.

ClinVar aggregate classification (germline): Uncertain significance. Review status: criteria provided, multiple submitters, no conflicts (2 of 4 stars). 2 submissions from 2 submitters: Uncertain significance (2). Last evaluated 2018-12-13.

Conditions:
X-linked myopathy with postural muscle atrophy. Also called: FHL1-Related Emery-Dreifuss Muscular Dystrophy, X-Linked. Identifiers: Orphanet 178461, MedGen C2678055, MONDO:0010401, OMIM 300696.
X-linked scapuloperoneal muscular dystrophy. Also called: SCAPULOPERONEAL MYOPATHY, FHL1-RELATED. Identifiers: Orphanet 431272, MedGen C2678061, MONDO:0010400, OMIM 300695.

Submissions (2):

Baylor Genetics
Classification: Uncertain significance for X-linked scapuloperoneal muscular dystrophy. Last evaluated: 2018-12-13. Review status: criteria provided, single submitter. Criteria: ACMG Guidelines, 2015. Collection method: clinical testing. Allele origin: maternal. Affected: yes.
Comment: This variant was determined to be of uncertain significance according to ACMG Guidelines, 2015 [PMID:25741868].

Labcorp Genetics (formerly Invitae), Labcorp
Classification: Uncertain significance for X-linked myopathy with postural muscle atrophy. Last evaluated: 2018-05-18. Review status: criteria provided, single submitter. Criteria: Invitae Variant Classification Sherloc (09022015). Collection method: clinical testing. Allele origin: germline.
Comment: In summary, the available evidence is currently insufficient to determine the role of this variant in disease. Therefore, it has been classified as a Variant of Uncertain Significance. Algorithms developed to predict the effect of missense changes on protein structure and function do not agree on the potential impact of this missense change (SIFT: "Deleterious"; PolyPhen-2: "Probably Damaging"; Align-GVGD: "Class C0"). This variant has not been reported in the literature in individuals with FHL1-related disease. This variant is not present in population databases (ExAC no frequency). This sequence change replaces cysteine with serine at codon 249 of the FHL1 protein (p.Cys249Ser). The cysteine residue is moderately conserved and there is a moderate physicochemical difference between cysteine and serine.